The following is an entry in ClinVar:

ClinVar aggregate classification (germline): Uncertain significance (1 of 4 stars; one submission).

Submission:

GeneDx
Classification: Uncertain significance. Last evaluated: 2020-07-08. Review status: criteria provided, single submitter. Criteria: GeneDx Variant Classification Process June 2021. Collection method: clinical testing. Allele origin: germline. Affected: yes.
Comment: Not observed in large population cohorts (Lek 2016); In silico analysis supports that this missense variant does not alter protein structure/function; Has not been previously published as pathogenic or benign to our knowledge

NM_004655.4(AXIN2):c.128G>A (p.Gly43Asp)

Gene: AXIN2 (axin 2; minus strand). Cytogenetic location: 17q24.1.
Variant type: single nucleotide variant.
Coding change: c.128G>A on transcript NM_004655.4 (MANE Select); coding-DNA position 128, G replaced by A.
Protein change: p.Gly43Asp; replaces glycine 43 with aspartic acid.
Molecular consequence: missense variant.
Genome position (GRCh38, 1-based): chr17:65,558,493, C>T on the plus strand (G>A on the coding strand, the complement: AXIN2 is on the minus strand). VCF-style: chr17-65558493-C-T. GRCh37 (hg19) VCF-style: chr17-63554611-C-T.
Other names: c.128G>A, p.Gly43Asp (NM_001363813.1); short protein forms G43D.
Identifiers: ClinVar variation 1313090 (VCV001313090.2), dbSNP rs2144590653, ClinGen allele CA400682105.